The following is an entry in ClinVar:

ClinVar aggregate classification (germline): Uncertain significance (1 of 4 stars; one submission).

Allele frequency attached by ClinVar (database versions not stated): gnomAD exomes below 0.00001; TOPMed 0.00001.
gnomAD v4.1: 1 of 1,611,752 alleles (0.000062%); highest among the groups gnomAD compares: Admixed American, 0.0017%; no homozygotes.

Submission:

Labcorp Genetics (formerly Invitae), Labcorp
Classification: Uncertain significance. Last evaluated: 2024-11-05. Review status: criteria provided, single submitter. Criteria: Invitae Variant Classification Sherloc (09022015). Collection method: clinical testing. Allele origin: germline.
Comment: This sequence change replaces lysine, which is basic and polar, with threonine, which is neutral and polar, at codon 311 of the XRCC4 protein (p.Lys311Thr). This variant is present in population databases (no rsID available, gnomAD 0.003%). This variant has not been reported in the literature in individuals affected with XRCC4-related conditions. ClinVar contains an entry for this variant (Variation ID: 1895681). An algorithm developed to predict the effect of missense changes on protein structure and function (PolyPhen-2) suggests that this variant is likely to be disruptive. In summary, the available evidence is currently insufficient to determine the role of this variant in disease. Therefore, it has been classified as a Variant of Uncertain Significance.

NM_003401.5(XRCC4):c.926A>C (p.Lys309Thr)

Gene: XRCC4 (X-ray repair cross complementing 4; plus strand). Cytogenetic location: 5q14.2.
Variant type: single nucleotide variant.
Coding change: c.926A>C on transcript NM_003401.5 (MANE Select); coding-DNA position 926, A replaced by C.
Protein change: p.Lys309Thr; replaces lysine 309 with threonine.
Molecular consequence: missense variant.
Genome position (GRCh38, 1-based): chr5:83,353,163, A>C. VCF-style: chr5-83353163-A-C. GRCh37 (hg19) VCF-style: chr5-82648982-A-C.
Other names: c.932A>C, p.Lys311Thr (NM_001318012.3, NM_022406.5); c.926A>C, p.Lys309Thr (NM_022550.4); short protein forms K311T, K309T.
Identifiers: ClinVar variation 1895681 (VCV001895681.4), dbSNP rs1446254177, ClinGen allele CA360357660.